The following is an entry in ClinVar:

ClinVar aggregate classification (germline): Benign/Likely benign. Review status: criteria provided, multiple submitters, no conflicts (2 of 4 stars). 7 submissions from 7 submitters: Benign (3); Likely benign (2). 2 of the submissions do not count toward it. Last evaluated 2026-03-01.

Conditions:
Severe combined immunodeficiency due to DNA-PKcs deficiency. Also called: IMMUNODEFICIENCY 26 WITH NEUROLOGIC ABNORMALITIES; Immunodeficiency 26 with or without neurologic abnormalities. Identifiers: Orphanet 317425, MedGen C4014833, MONDO:0014423, OMIM 615966.

Allele frequency attached by ClinVar (database versions not stated): 1000 Genomes Project 30x 0.00187; 1000 Genomes Project 0.00200; gnomAD exomes 0.00647 and 0.01003; ExAC 0.00677; TOPMed 0.00683; gnomAD 0.00825; ESP Exome Variant Server 0.00968.
gnomAD v4.1: 15,450 of 1,605,872 alleles (0.96%); highest among the groups gnomAD compares: Non-Finnish European, 1.2%; 92 homozygotes.

Submissions (7):

CeGaT Center for Human Genetics Tuebingen
Classification: Benign. Last evaluated: 2026-03-01. Review status: criteria provided, single submitter. Criteria: CeGaT Center For Human Genetics Tuebingen Variant Classification Criteria Version 2. Collection method: clinical testing. Allele origin: germline. Affected: yes. Observed: 9 variant alleles.
Comment: PRKDC: BP4, BS1, BS2

Labcorp Genetics (formerly Invitae), Labcorp
Classification: Benign for Severe combined immunodeficiency due to DNA-PKcs deficiency. Last evaluated: 2026-02-02. Review status: criteria provided, single submitter. Criteria: Invitae Variant Classification Sherloc (09022015). Collection method: clinical testing. Allele origin: germline.

Women's Health and Genetics/Laboratory Corporation of America, LabCorp
Classification: Benign. Last evaluated: 2022-03-13. Review status: criteria provided, single submitter. Criteria: LabCorp Variant Classification Summary - May 2015. Collection method: clinical testing. Allele origin: germline.
Comment: Variant summary: PRKDC c.9598C>T (p.Pro3200Ser) (refseq HGVS c.9601C>T, p.Pro3201Ser) results in a non-conservative amino acid change in the encoded protein sequence. Four of five in-silico tools predict a benign effect of the variant on protein function. The variant allele was found at a frequency of 0.0065 in 243262 control chromosomes in the gnomAD database, including 11 homozygotes. The observed variant frequency is approximately 18 fold of the estimated maximal expected allele frequency for a pathogenic variant in PRKDC causing Severe Combined Immunodeficiency phenotype (0.00035), strongly suggesting that the variant is benign. To our knowledge, no penetrant association or occurrence of c.9598C>T in individuals affected with Severe Combined Immunodeficiency (specifically Immunodeficiency 26, with or without neurologic abnormalities, OMIM 60089) and no experimental evidence demonstrating its impact on protein function have been reported. Two clinical diagnostic laboratories have submitted clinical-significance assessments for this variant to ClinVar after 2014 without evidence for independent evaluation. All laboratories classified the variant as benign/likely benign. Based on the evidence outlined above, the variant was classified as benign.

GeneDx
Classification: Likely benign. Last evaluated: 2018-09-07. Review status: criteria provided, single submitter. Criteria: GeneDx Variant Classification Process June 2021. Collection method: clinical testing. Allele origin: germline. Affected: yes.
Comment: This variant is associated with the following publications: (PMID: 24476948)

Breakthrough Genomics
Classification: Likely benign. Review status: criteria provided, single submitter. Criteria: ACMG Guidelines, 2015. Collection method: not provided. Allele origin: germline. Inheritance: Autosomal recessive inheritance. Affected: yes.

Clinical Genetics DNA and cytogenetics Diagnostics Lab, Erasmus MC, Erasmus Medical Center
Classification: Benign. Review status: no assertion criteria provided. Collection method: clinical testing. Allele origin: germline. Affected: yes. Study: VKGL Data-share Consensus. Not counted in ClinVar's aggregate classification.

Genome Diagnostics Laboratory, University Medical Center Utrecht
Classification: Benign. Review status: no assertion criteria provided. Collection method: clinical testing. Allele origin: germline. Affected: yes. Study: VKGL Data-share Consensus. Not counted in ClinVar's aggregate classification.

NM_006904.7(PRKDC):c.9601C>T (p.Pro3201Ser)

Gene: PRKDC (protein kinase, DNA-activated, catalytic subunit; minus strand). Cytogenetic location: 8q11.21.
Variant type: single nucleotide variant.
Coding change: c.9601C>T on transcript NM_006904.7 (MANE Select); coding-DNA position 9601, C replaced by T.
Protein change: p.Pro3201Ser; replaces proline 3201 with serine.
Molecular consequence: missense variant.
Genome position (GRCh38, 1-based): chr8:47,807,283, G>A on the plus strand (C>T on the coding strand, the complement: PRKDC is on the minus strand). VCF-style: chr8-47807283-G-A. GRCh37 (hg19) VCF-style: chr8-48719844-G-A.
Other names: c.9601C>T, p.Pro3201Ser (NM_001081640.2); short protein forms P3201S.
Identifiers: ClinVar variation 379755 (VCV000379755.37), dbSNP rs8178216, ClinGen allele CA4739527.
Genomic context (GRCh38, chr8:47,807,283, plus strand): 5'-GCACTTCCATCCTGTCACTGGGGTCTCCATCTTGATCCACATTCATACTATTATCTTCTG[G>A]AAGAGGGGTAAGCTTCTCCTCTATTTTGCTGAGAAAGAAACATCTACACAAAGAAAAATG-3'
Protein context (NP_008835.5, residues 3191-3211): SKIEEKLTPL[Pro3201Ser]EDNSMNVDQD